The following is an entry in ClinVar:

ClinVar aggregate classification (germline): Uncertain significance (1 of 4 stars; one submission).

Conditions:
Hyperaldosteronism, familial, type IV (HALD4). Also called: FH IV; ALDOSTERONISM, PRIMARY, AND HYPERTENSION. Identifiers: Orphanet 642671, MedGen C4310756, MONDO:0014875, OMIM 617027.
Idiopathic generalized epilepsy. Also called: EIG; Generalised epilepsy. Identifiers: MedGen C0270850, MONDO:0005579, OMIM 600669.

gnomAD v4.1: 8 of 1,612,394 alleles (0.0005%); highest among the groups gnomAD compares: Non-Finnish European, 0.00068%; no homozygotes.

Submission:

Labcorp Genetics (formerly Invitae), Labcorp
Classification: Uncertain significance for Idiopathic generalized epilepsy; Hyperaldosteronism, familial, type IV. Last evaluated: 2025-11-17. Review status: criteria provided, single submitter. Criteria: Invitae Variant Classification Sherloc (09022015). Collection method: clinical testing. Allele origin: germline.
Comment: This sequence change replaces alanine, which is neutral and non-polar, with serine, which is neutral and polar, at codon 824 of the CACNA1H protein (p.Ala824Ser). This variant is present in population databases (rs762216034, gnomAD 0.003%). This variant has not been reported in the literature in individuals affected with CACNA1H-related conditions. Invitae Evidence Modeling of protein sequence and biophysical properties (such as structural, functional, and spatial information, amino acid conservation, physicochemical variation, residue mobility, and thermodynamic stability) indicates that this missense variant is not expected to disrupt CACNA1H protein function with a negative predictive value of 80%. In summary, the available evidence is currently insufficient to determine the role of this variant in disease. Therefore, it has been classified as a Variant of Uncertain Significance.

NM_021098.3(CACNA1H):c.2470G>T (p.Ala824Ser)

Gene: CACNA1H (calcium voltage-gated channel subunit alpha1 H; plus strand). Cytogenetic location: 16p13.3.
Variant type: single nucleotide variant.
Coding change: c.2470G>T on transcript NM_021098.3 (MANE Select); coding-DNA position 2470, G replaced by T.
Protein change: p.Ala824Ser; replaces alanine 824 with serine.
Molecular consequence: missense variant.
Genome position (GRCh38, 1-based): chr16:1,205,132, G>T. VCF-style: chr16-1205132-G-T. GRCh37 (hg19) VCF-style: chr16-1255132-G-T.
Other names: c.2470G>T, p.Ala824Ser (NM_001005407.2); short protein forms A824S.
Identifiers: ClinVar variation 4790721 (VCV004790721.1).
Genomic context (GRCh38, chr16:1,205,132, plus strand): 5'-CGCGGGTGCGGCCTCCTGAACTGTCCCCACCTCTGCCTGCAGCCCGAGGAGCTGACTAAT[G>T]CTCTGGAGATCAGCAACATCGTGTTCACCAGCATGTTTGCCCTGGAGATGCTGCTGAAGC-3'
Protein context (NP_066921.2, residues 814-834): YHEQPEELTN[Ala824Ser]LEISNIVFTS